The following is an entry in ClinVar:

NM_000053.4(ATP7B):c.1145C>G (p.Ser382Cys)

Gene: ATP7B (ATPase copper transporting beta; minus strand). Cytogenetic location: 13q14.3.
Variant type: single nucleotide variant.
Coding change: c.1145C>G on transcript NM_000053.4 (MANE Select); coding-DNA position 1145, C replaced by G.
Protein change: p.Ser382Cys; replaces serine 382 with cysteine.
Molecular consequence: missense variant.
Genome position (GRCh38, 1-based): chr13:51,974,075, G>C on the plus strand (C>G on the coding strand, the complement: ATP7B is on the minus strand). VCF-style: chr13-51974075-G-C. GRCh37 (hg19) VCF-style: chr13-52548211-G-C.
Other names: c.1145C>G, p.Ser382Cys (NM_001005918.3, NM_001330578.2, NM_001330579.2); c.812C>G, p.Ser271Cys (NM_001243182.2); short protein forms S382C, S271C.
Identifiers: ClinVar variation 426499 (VCV000426499.24), dbSNP rs774102085, ClinGen allele CA6989434.

ClinVar aggregate classification (germline): Uncertain significance. Review status: criteria provided, multiple submitters, no conflicts (2 of 4 stars). 11 submissions from 11 submitters: Uncertain significance (8). 3 of the submissions do not count toward it. Last evaluated 2026-10-09.

Conditions:
Wilson disease (WND). Also called: Wilson's disease. Identifiers: Orphanet 905, MedGen C0019202, MONDO:0010200, OMIM 277900. Disease mechanism: loss of function.

Allele frequency attached by ClinVar (database versions not stated): gnomAD 0.00006 and 0.00005; ExAC 0.00002; TOPMed 0.00004; gnomAD exomes 0.00016 and 0.00005.

Submissions (11):

GeneDx
Classification: Uncertain significance. Last evaluated: 2026-10-09. Review status: criteria provided, single submitter. Criteria: GeneDx Variant Classification Process June 2021. Collection method: clinical testing. Allele origin: germline.
Comment: Identified with p.L641S, phase unknown, in one sample from a study estimating the genetic prevalence of ATP7B-associated Wilson disease (PMID: 23518715); Not observed at significant frequency in large population cohorts (gnomAD); In silico analysis supports that this missense variant has a deleterious effect on protein structure/function; This variant is associated with the following publications: (PMID: 23518715)

Color Diagnostics, LLC DBA Color Health
Classification: Uncertain significance for Wilson disease. Last evaluated: 2025-07-22. Review status: criteria provided, single submitter. Criteria: ACMG Guidelines, 2015. Collection method: clinical testing. Allele origin: germline.
Comment: This missense variant replaces serine with cysteine at codon 382 of the ATP7B protein. Computational prediction is inconclusive regarding the impact of this variant on protein structure and function. To our knowledge, functional studies have not been reported for this variant. This variant has not been reported in individuals affected with Wilson disease in the literature. This variant has been identified in 15/280960 chromosomes in the general population by the Genome Aggregation Database (gnomAD). The available evidence is insufficient to determine the role of this variant in disease conclusively. Therefore, this variant is classified as a Variant of Uncertain Significance.

Labcorp Genetics (formerly Invitae), Labcorp
Classification: Uncertain significance for Wilson disease. Last evaluated: 2024-12-16. Review status: criteria provided, single submitter. Criteria: Invitae Variant Classification Sherloc (09022015). Collection method: clinical testing. Allele origin: germline.
Comment: This sequence change replaces serine, which is neutral and polar, with cysteine, which is neutral and slightly polar, at codon 382 of the ATP7B protein (p.Ser382Cys). This variant is present in population databases (rs774102085, gnomAD 0.009%). This missense change has been observed in individual(s) with Wilson disease (PMID: 23518715). ClinVar contains an entry for this variant (Variation ID: 426499). Invitae Evidence Modeling of protein sequence and biophysical properties (such as structural, functional, and spatial information, amino acid conservation, physicochemical variation, residue mobility, and thermodynamic stability) indicates that this missense variant is not expected to disrupt ATP7B protein function with a negative predictive value of 80%. In summary, the available evidence is currently insufficient to determine the role of this variant in disease. Therefore, it has been classified as a Variant of Uncertain Significance.

All of Us Research Program, National Institutes of Health
Classification: Uncertain significance for Wilson disease. Last evaluated: 2024-09-23. Review status: criteria provided, single submitter. Criteria: ACMG Guidelines, 2015. Collection method: clinical testing. Allele origin: germline. Inheritance: Autosomal recessive inheritance. Observed: 22 variant alleles, 22 heterozygotes.
Comment: This missense variant replaces serine with cysteine at codon 382 of the ATP7B protein. Computational prediction is inconclusive regarding the impact of this variant on protein structure and function (internally defined REVEL score threshold 0.5 < inconclusive < 0.7, PMID: 27666373). To our knowledge, functional studies have not been reported for this variant. This variant has not been reported in individuals affected with Wilson disease in the literature. This variant has been identified in 15/280960 chromosomes in the general population by the Genome Aggregation Database (gnomAD). The available evidence is insufficient to determine the role of this variant in disease conclusively. Therefore, this variant is classified as a Variant of Uncertain Significance.

This study involves interpretation of variants in research participants for the purpose of population health screening. Participant phenotype was not available at the time of variant classification. Additional details can be found in publication PMID: 35346344, PMCID: PMC8962531

Blueprint Genetics
Classification: Uncertain significance. Last evaluated: 2024-09-19. Review status: criteria provided, single submitter. Criteria: ACMG Guidelines, 2015. Collection method: clinical testing. Allele origin: germline.

Women's Health and Genetics/Laboratory Corporation of America, LabCorp
Classification: Uncertain significance. Last evaluated: 2024-09-10. Review status: criteria provided, single submitter. Criteria: LabCorp Variant Classification Summary - May 2015. Collection method: clinical testing. Allele origin: germline.
Comment: Variant summary: ATP7B c.1145C>G (p.Ser382Cys) results in a non-conservative amino acid change located in the Heavy metal-associated domain, HMA (IPR006121) of the encoded protein sequence. Four of five in-silico tools predict a damaging effect of the variant on protein function. The variant allele was found at a frequency of 5.2e-05 in 249554 control chromosomes, predominantly at a frequency of 9.7e-05 within the Non-Finnish European subpopulation in the gnomAD database. This frequency is not significantly higher than estimated for a pathogenic variant in ATP7B causing Wilson Disease (5.2e-05 vs 0.0054), allowing no conclusion about variant significance. c.1145C>G has been reported in the literature in one unspecified individual affected with Wilson Disease (example, Coffey_2013). These report(s) do not provide unequivocal conclusions about association of the variant with Wilson Disease. To our knowledge, no experimental evidence demonstrating an impact on protein function has been reported. The following publication has been ascertained in the context of this evaluation (PMID: 23518715). ClinVar contains an entry for this variant (Variation ID: 426499). Based on the evidence outlined above, the variant was classified as uncertain significance.

Genome-Nilou Lab
Classification: Uncertain significance for Wilson disease. Last evaluated: 2021-09-05. Review status: criteria provided, single submitter. Criteria: ACMG Guidelines, 2015. Collection method: clinical testing. Allele origin: germline. Affected: no.

Illumina Laboratory Services, Illumina
Classification: Uncertain significance for Wilson disease. Last evaluated: 2017-04-28. Review status: criteria provided, single submitter. Criteria: ICSL Variant Classification Criteria 13 December 2019. Collection method: clinical testing. Allele origin: germline.
Comment: This variant was observed as part of a predisposition screen in an ostensibly healthy population. A literature search was performed for the gene, cDNA change, and amino acid change (where applicable). Publications were found based on this search. However, the evidence from the literature, in combination with allele frequency data from public databases where available, was not sufficient to rule this variant in or out of causing disease. Therefore, this variant is classified as a variant of unknown significance.

Natera, Inc.
Classification: Uncertain significance for Wilson disease. Last evaluated: 2020-09-16. Review status: no assertion criteria provided. Collection method: clinical testing. Allele origin: germline. Not counted in ClinVar's aggregate classification.

Clinical Genetics DNA and cytogenetics Diagnostics Lab, Erasmus MC, Erasmus Medical Center
Classification: Uncertain significance. Review status: no assertion criteria provided. Collection method: clinical testing. Allele origin: germline. Affected: yes. Study: VKGL Data-share Consensus. Not counted in ClinVar's aggregate classification.

Diagnostic Laboratory, Department of Genetics, University Medical Center Groningen
Classification: Uncertain significance for Wilson disease. Review status: no assertion criteria provided. Collection method: clinical testing. Allele origin: germline. Affected: yes. Study: VKGL Data-share Consensus. Not counted in ClinVar's aggregate classification.

Literature cited by the submitters: PubMed 23518715 (cited by 3 submitters).